The following is an entry in ClinVar:

ClinVar aggregate classification (germline): Pathogenic/Likely pathogenic. Review status: criteria provided, multiple submitters, no conflicts (2 of 4 stars). 6 submissions from 6 submitters: Pathogenic (1); Likely pathogenic (4). 1 of the submissions does not count toward it. Last evaluated 2024-06-02.

Conditions:
Pyruvate dehydrogenase E3 deficiency (DLDD). Also called: Dihydrolipoamide Dehydrogenase (E3) Deficiency; MAPLE SYRUP URINE DISEASE, TYPE III; DLD DEFICIENCY; E3 DEFICIENCY; Lipoamide dehydrogenase deficiency, lactic acidosis due to; Dihydrolipoamide Dehydrogenase Deficiency. Identifiers: Orphanet 2394, Orphanet 765, MedGen C5574660, MONDO:0009529, OMIM 246900.

gnomAD v4.1: 5 of 1,612,508 alleles (0.00031%); highest among the groups gnomAD compares: South Asian, 0.0011%; no homozygotes.

Submissions (6):

Fulgent Genetics
Classification: Likely pathogenic for Pyruvate dehydrogenase E3 deficiency. Last evaluated: 2024-06-02. Review status: criteria provided, single submitter. Criteria: ACMG Guidelines, 2015. Collection method: clinical testing. Allele origin: germline.

Labcorp Genetics (formerly Invitae), Labcorp
Classification: Pathogenic for Pyruvate dehydrogenase E3 deficiency. Last evaluated: 2024-01-12. Review status: criteria provided, single submitter. Criteria: Invitae Variant Classification Sherloc (09022015). Collection method: clinical testing. Allele origin: germline.
Comment: This sequence change creates a premature translational stop signal (p.Tyr35*) in the DLD gene. It is expected to result in an absent or disrupted protein product. Loss-of-function variants in DLD are known to be pathogenic (PMID: 8968745, 9934985). This variant is not present in population databases (gnomAD no frequency). This premature translational stop signal has been observed in individual(s) with dihydrolipoamide dehydrogenase deficiency (PMID: 8968745). ClinVar contains an entry for this variant (Variation ID: 421142). For these reasons, this variant has been classified as Pathogenic.

Baylor Genetics
Classification: Likely pathogenic for Pyruvate dehydrogenase E3 deficiency. Last evaluated: 2023-03-04. Review status: criteria provided, single submitter. Criteria: ACMG Guidelines, 2015. Collection method: clinical testing. Allele origin: unknown.

Revvity Omics, Revvity
Classification: Likely pathogenic for Pyruvate dehydrogenase E3 deficiency. Last evaluated: 2022-12-16. Review status: criteria provided, single submitter. Criteria: ACMG Guidelines, 2015. Collection method: clinical testing. Allele origin: germline.

GeneDx
Classification: Likely pathogenic. Last evaluated: 2016-05-05. Review status: criteria provided, single submitter. Criteria: GeneDx Variant Classification (06012015). Collection method: clinical testing. Allele origin: germline. Affected: yes.
Comment: The Y35X variant in the DLD gene has not been reported previously as a pathogenic variant nor as a benign variant, to our knowledge. This variant is predicted to cause loss of normal protein function either through protein truncation or nonsense-mediated mRNA decay. The Y35X variant was not observed in approximately 6500 individuals of European and African American ancestry in the NHLBI Exome Sequencing Project, indicating it is not a common benign variant in these populations. The Y35X variant is a strong candidate for a pathogenic variant; however, the possibility it may be a rare benign variant cannot be excluded.

Counsyl
Classification: Likely pathogenic for Pyruvate dehydrogenase E3 deficiency. Last evaluated: 2014-07-28. Review status: no assertion criteria provided. Collection method: clinical testing. Allele origin: unknown. Not counted in ClinVar's aggregate classification.

Literature cited by the submitters: PubMed 8968745 (cited by Labcorp Genetics (formerly Invitae), Labcorp); PubMed 9934985 (cited by Labcorp Genetics (formerly Invitae), Labcorp).

NM_000108.5(DLD):c.105C>G (p.Tyr35Ter)

Gene: DLD (dihydrolipoamide dehydrogenase; plus strand). Cytogenetic location: 7q31.1.
Variant type: single nucleotide variant.
Coding change: c.105C>G on transcript NM_000108.5 (MANE Select); coding-DNA position 105, C replaced by G.
Protein change: p.Tyr35Ter; replaces tyrosine 35 with a stop codon.
Molecular consequence: nonsense. On other transcripts: 5 prime UTR variant (1).
Genome position (GRCh38, 1-based): chr7:107,893,265, C>G. VCF-style: chr7-107893265-C-G. GRCh37 (hg19) VCF-style: chr7-107533710-C-G.
Other names: c.-44C>G (NM_001289750.1); c.105C>G, p.Tyr35Ter (NM_001289751.1, NM_001289752.1); short protein forms Y35*.
Identifiers: ClinVar variation 421142 (VCV000421142.12), dbSNP rs747810875, ClinGen allele CA16618343.